The following is an entry in ClinVar:

ClinVar aggregate classification (germline): Uncertain significance (1 of 4 stars; one submission).

gnomAD v4.1: 2 of 1,611,532 alleles (0.00012%); highest among the groups gnomAD compares: African/African-American, 0.0013%; no homozygotes.

Submission:

GeneDx
Classification: Uncertain significance. Last evaluated: 2025-06-11. Review status: criteria provided, single submitter. Criteria: GeneDx Variant Classification Process June 2021. Collection method: clinical testing. Allele origin: germline.
Comment: Not observed at significant frequency in large population cohorts (gnomAD); In silico analysis suggests that this missense variant does not alter protein structure/function; Has not been previously published as pathogenic or benign to our knowledge

NM_024757.5(EHMT1):c.427C>G (p.Leu143Val)

Gene: EHMT1 (euchromatic histone lysine methyltransferase 1; plus strand). Cytogenetic location: 9q34.3.
Variant type: single nucleotide variant.
Coding change: c.427C>G on transcript NM_024757.5 (MANE Select); coding-DNA position 427, C replaced by G.
Protein change: p.Leu143Val; replaces leucine 143 with valine.
Molecular consequence: missense variant.
Genome position (GRCh38, 1-based): chr9:137,716,967, C>G. VCF-style: chr9-137716967-C-G. GRCh37 (hg19) VCF-style: chr9-140611419-C-G.
Other names: c.427C>G, p.Leu143Val (NM_001145527.2, NM_001354263.2, NM_001354611.2); c.334C>G, p.Leu112Val (NM_001354259.2, NM_001354612.2); short protein forms L112V, L143V.
Identifiers: ClinVar variation 2579958 (VCV002579958.2), dbSNP rs373407070, ClinGen allele CA375765057.
Genomic context (GRCh38, chr9:137,716,967, plus strand): 5'-AACGGATACATCTTAAATAAGCCGGCCCTACAGGCACAGCCCTTGAGGACTACCAGCACT[C>G]TGGCCTCTTCGCTGCCTGGCCATGCTGCAAAAACCCTTCCTGGAGGGGCTGGCAAAGGCA-3'
Protein context (NP_079033.4, residues 133-153): QAQPLRTTST[Leu143Val]ASSLPGHAAK